The following is an entry in ClinVar:

NM_206933.4(USH2A):c.2653C>T (p.His885Tyr)

Genes: USH2A (usherin; minus strand), LOC122152296 (Sharpr-MPRA regulatory region 8762; plus strand). Cytogenetic location: 1q41.
Variant type: single nucleotide variant.
Coding change: c.2653C>T on transcript NM_206933.4 (MANE Select); coding-DNA position 2653, C replaced by T.
Protein change: p.His885Tyr; replaces histidine 885 with tyrosine.
Molecular consequence: missense variant.
Genome position (GRCh38, 1-based): chr1:216,246,741, G>A on the plus strand (C>T on the coding strand, the complement: USH2A is on the minus strand). VCF-style: chr1-216246741-G-A. GRCh37 (hg19) VCF-style: chr1-216420083-G-A.
Other names: c.2653C>T, p.His885Tyr (NM_007123.6); c.2653C>T (NM_206933.3); short protein forms H885Y.
Identifiers: ClinVar variation 550419 (VCV000550419.35), dbSNP rs746071929, ClinGen allele CA1396195.

ClinVar aggregate classification (germline): Conflicting classifications of pathogenicity. Review status: criteria provided, conflicting classifications (1 of 4 stars). 15 submissions from 15 submitters: Pathogenic (2); Likely pathogenic (6); Uncertain significance (7). Last evaluated 2026-01-26.

Conditions:
Retinitis pigmentosa 39 (RP39). Identifiers: Orphanet 791, MedGen C3151138, MONDO:0013436, OMIM 613809.
Usher syndrome type 2A. Also called: RETINAL DISEASE IN USHER SYNDROME TYPE IIA, MODIFIER OF; USHER SYNDROME, TYPE IIA. Identifiers: Orphanet 231178, Orphanet 886, MedGen C1848634, MONDO:0010169, OMIM 276901.
Usher syndrome. Also called: Usher's syndrome; Usher Syndromes. Identifiers: Orphanet 886, MedGen CN469326, MeSH D052245, MONDO:0019501. Disease mechanism: loss of function.
USH2A-related disorder. Also called: USH2A-related disorders; USH2A-related condition. Identifiers: MedGen CN239332.
Retinal dystrophy. Also called: Inherited retinal dystrophy. Identifiers: Orphanet 71862, MedGen C0854723, MeSH D058499, MONDO:0019118, HP:0000556.

Allele frequency attached by ClinVar (database versions not stated): gnomAD exomes 0.00001 and 0.00005; gnomAD 0.00002; TOPMed 0.00003; ExAC 0.00006.

Submissions (15):

Medical and Scientific Branch, Hong Kong Genome Institute
Classification: Likely pathogenic for Retinitis pigmentosa 39. Last evaluated: 2026-01-26. Review status: criteria provided, single submitter. Criteria: ACMG Guidelines, 2015. Collection method: clinical testing. Allele origin: maternal. Affected: yes.

Natera, Inc.
Classification: Likely pathogenic for Usher syndrome type 2A. Last evaluated: 2026-01-26. Review status: criteria provided, single submitter. Criteria: Natera Variant Classification Schema (03/2026). Collection method: clinical testing. Allele origin: germline.
Comment: The c.2653C>T variant in USH2A is a missense variant predicted to cause substitution of histidine to tyrosine at amino acid 885. This variant is rare in the general population with a frequency below the threshold expected for the associated phenotype(s). This variant has been observed in one or more individuals affected with the associated recessive disease, as either homozygous or compound heterozygous with a second variant (PMID: 36034145, 24938718, 32188678). Computational prediction algorithms indicate this variant is likely to affect gene or protein function. Given the available evidence, this variant is classified as Likely Pathogenic.

Labcorp Genetics (formerly Invitae), Labcorp
Classification: Pathogenic. Last evaluated: 2025-11-16. Review status: criteria provided, single submitter. Criteria: Invitae Variant Classification Sherloc (09022015). Collection method: clinical testing. Allele origin: germline.
Comment: This sequence change replaces histidine, which is basic and polar, with tyrosine, which is neutral and polar, at codon 885 of the USH2A protein (p.His885Tyr). This variant is present in population databases (rs746071929, gnomAD 0.07%). This missense change has been observed in individual(s) with clinical features of Usher syndrome and/or retinitis pigmentosa (PMID: 24938718, 32188678, 33105608, 33111992). In at least one individual the data is consistent with being in trans (on the opposite chromosome) from a pathogenic variant. ClinVar contains an entry for this variant (Variation ID: 550419). Invitae Evidence Modeling of protein sequence and biophysical properties (such as structural, functional, and spatial information, amino acid conservation, physicochemical variation, residue mobility, and thermodynamic stability) has been performed for this missense variant. However, the output from this modeling did not meet the statistical confidence thresholds required to predict the impact of this variant on USH2A protein function. For these reasons, this variant has been classified as Pathogenic.

Women's Health and Genetics/Laboratory Corporation of America, LabCorp
Classification: Likely pathogenic for Usher syndrome. Last evaluated: 2025-05-23. Review status: criteria provided, single submitter. Criteria: LabCorp Variant Classification Summary - May 2015. Collection method: clinical testing. Allele origin: germline.
Comment: Variant summary: USH2A c.2653C>T (p.His885Tyr) results in a conservative amino acid change located in the Laminin EGF domain (IPR002049) of the encoded protein sequence. Algorithms developed to predict the effect of missense changes on protein structure and function are either unavailable or do not agree on the potential impact of this missense change. The variant allele was found at a frequency of 4.8e-05 in 250902 control chromosomes (gnomAD). This frequency is not significantly higher than estimated for a pathogenic variant in USH2A causing Usher Syndrome (4.8e-05 vs 0.011), allowing no conclusion about variant significance. c.2653C>T has been observed in individuals affected with retinitis pigmentosa or nonsyndromic sensorineural hearing loss (e.g. Xu_20142, Gao_2021, Brodie_2021). These data indicate that the variant is likely to be associated with disease. To our knowledge, no experimental evidence demonstrating an impact on protein function has been reported. The following publications have been ascertained in the context of this evaluation (PMID: 24938718, 32188678, 33111992, 33105608, 25324289, 34515852). ClinVar contains an entry for this variant (Variation ID: 550419). Based on the evidence outlined above, the variant was classified as likely pathogenic.

Revvity Omics, Revvity
Classification: Pathogenic. Last evaluated: 2025-02-04. Review status: criteria provided, single submitter. Criteria: ACMG Guidelines, 2015. Collection method: clinical testing. Allele origin: germline.

3billion
Classification: Uncertain significance for USH2A-related disorder. Last evaluated: 2024-10-24. Review status: criteria provided, single submitter. Criteria: ACMG Guidelines, 2015. Collection method: clinical testing. Allele origin: germline. Affected: yes.
Comment: The variant is observed at an extremely low frequency in the gnomAD v4.1.0 dataset (total allele frequency: 0.001%). Predicted Consequence/Location: Missense variant. The majority of the known disease-causing variants of this gene are variants expected to result in premature termination of the protein. In silico tool predictions suggest damaging effect of the variant on gene or gene product [REVEL: 0.77 (>=0.6, sensitivity 0.68 and specificity 0.92); 3Cnet: 0.01 (>=0.6, sensitivity 0.72 and precision 0.9)]. The same nucleotide change resulting in the same amino acid change has been previously reported as pathogenic/likely pathogenic with strong evidence (ClinVar ID: VCV000550419 /PMID: 24938718). However, the evidence of pathogenicity is insufficient at this time. Therefore, this variant is classified as VUS according to the recommendation of ACMG/AMP guideline.

GeneDx
Classification: Likely pathogenic. Last evaluated: 2024-07-24. Review status: criteria provided, single submitter. Criteria: GeneDx Variant Classification Process June 2021. Collection method: clinical testing. Allele origin: germline. Affected: yes.
Comment: Reported with two or more USH2A variants in patients in published literature, but it is not known whether the variants occurred on the same (in cis) or on different (in trans) chromosomes in all cases (PMID: 25324289, 33105608, 32188678); In silico analysis supports that this missense variant has a deleterious effect on protein structure/function; This variant is associated with the following publications: (PMID: 33111992, 24938718, 31054281, 25324289, 33105608, 32188678, 31964843, 34515852, 34906470, 38879497)

Fulgent Genetics
Classification: Likely pathogenic for Usher syndrome type 2A; Retinitis pigmentosa 39. Last evaluated: 2024-06-11. Review status: criteria provided, single submitter. Criteria: ACMG Guidelines, 2015. Collection method: clinical testing. Allele origin: germline.

Dept Of Ophthalmology, Nagoya University
Classification: Uncertain significance for Retinal dystrophy. Last evaluated: 2023-10-01. Review status: criteria provided, single submitter. Criteria: Submitter's publication. Collection method: research. Allele origin: germline. Affected: yes.

Baylor Genetics
Classification: Uncertain significance for Retinitis pigmentosa 39. Last evaluated: 2023-06-09. Review status: criteria provided, single submitter. Criteria: ACMG Guidelines, 2015. Collection method: clinical testing. Allele origin: unknown.

Blueprint Genetics
Classification: Uncertain significance. Last evaluated: 2022-04-06. Review status: criteria provided, single submitter. Criteria: ACMG Guidelines, 2015. Collection method: clinical testing. Allele origin: germline.

Myriad Genetics, Inc.
Classification: Uncertain significance for Usher syndrome type 2A. Last evaluated: 2021-11-03. Review status: criteria provided, single submitter. Criteria: Myriad Women's Health Autosomal Recessive and X-Linked Classification Criteria (2021). Collection method: clinical testing. Allele origin: unknown.
Comment: NM_206933.2(USH2A):c.2653C>T(H885Y) is a missense variant classified as a variant of uncertain significance in the context of USH2A-related disorders. H885Y has been observed in cases with relevant disease (PMID: 25324289, 24938718, 33111992, 33105608, 32188678). Functional assessments of this variant are not available in the literature. H885Y has been observed in population frequency databases (gnomAD: EAS 0.07%). In summary, there is insufficient evidence to classify NM_206933.2(USH2A):c.2653C>T(H885Y) as pathogenic or benign. Please note: this variant was assessed in the context of healthy population screening.

Ocular Genomics Institute, Massachusetts Eye and Ear
Classification: Uncertain significance for Retinitis pigmentosa 39. Last evaluated: 2021-04-08. Review status: criteria provided, single submitter. Criteria: ACMG Guidelines, 2015. Collection method: research. Allele origin: germline. Affected: yes.
Comment: Through a review of available evidence we were able to apply the following criteria: PM2. Based on this evidence we have classified this variant as Variant of Uncertain Significance.

Illumina Laboratory Services, Illumina
Classification: Uncertain significance for Usher syndrome type 2A. Last evaluated: 2017-04-27. Review status: criteria provided, single submitter. Criteria: ICSL Variant Classification Criteria 13 December 2019. Collection method: clinical testing. Allele origin: germline.

Juno Genomics, Hangzhou Juno Genomics, Inc
Classification: Likely pathogenic for Retinitis pigmentosa 39; Usher syndrome type 2A. Review status: criteria provided, single submitter. Criteria: ACMG Guidelines, 2015. Collection method: clinical testing. Allele origin: germline.
Comment: Multiple lines of computational evidence support a deleterious effect on the gene or gene product.;For recessive disorders, detected in trans with a pathogenic variant.;Patient's phenotype or family history is highly specific for a disease with a single genetic etiology.

Literature cited by the submitters: PubMed 36034145 (cited by Natera, Inc.); PubMed 24938718 (cited by 6 submitters); PubMed 32188678 (cited by 4 submitters); PubMed 33105608 (cited by 3 submitters); PubMed 33111992 (cited by 3 submitters); PubMed 25324289 (cited by 3 submitters); PubMed 34515852 (cited by Women's Health and Genetics/Laboratory Corporation of America, LabCorp).